The following is an entry in ClinVar:

NM_001276270.2(MBD4):c.441T>C (p.Ser147=)

Gene: MBD4 (methyl-CpG binding domain 4, DNA glycosylase; minus strand). Cytogenetic location: 3q21.3.
Variant type: single nucleotide variant.
Coding change: c.441T>C on transcript NM_001276270.2 (MANE Select); coding-DNA position 441, T replaced by C.
Protein change: p.Ser147=; no amino-acid change (serine 147 retained).
Molecular consequence: synonymous variant. On other transcripts: intron variant (1).
Genome position (GRCh38, 1-based): chr3:129,437,203, A>G on the plus strand (T>C on the coding strand, the complement: MBD4 is on the minus strand). VCF-style: chr3-129437203-A-G. GRCh37 (hg19) VCF-style: chr3-129156046-A-G.
Other names: c.441T>C, p.Ser147= (NM_001276271.2, NM_001276272.2, NM_003925.3); c.247+605T>C (NM_001276273.2).
Identifiers: ClinVar variation 4052177 (VCV004052177.2).

ClinVar aggregate classification (germline): Benign/Likely benign. Review status: criteria provided, multiple submitters, no conflicts (2 of 4 stars). 2 submissions from 2 submitters: Benign (1); Likely benign (1). Last evaluated 2026-06-11.

Conditions:
Tumor predisposition syndrome 2 (TPDS2). Also called: MBD4-ASSOCIATED NEOPLASIA SYNDROME; MBD4-Related Tumor Predisposition Syndrome; MBD4-associated neoplasia syndrome (MANS). Identifiers: Orphanet 661526, MedGen C5774186, MONDO:0859267, OMIM 619975.
Inborn genetic diseases. Identifiers: MedGen C0950123, MeSH D030342.

gnomAD v4.1: 2 of 1,613,722 alleles (0.00012%); highest among the groups gnomAD compares: African/African-American, 0.0027%; no homozygotes.

Submissions (2):

Myriad Genetics, Inc.
Classification: Benign for Tumor predisposition syndrome 2. Last evaluated: 2026-06-11. Review status: criteria provided, single submitter. Criteria: Myriad Autosomal Dominant, Autosomal Recessive and X-Linked Classification Criteria (2023). Collection method: clinical testing. Allele origin: unknown.
Comment: This variant is considered benign. This variant is a silent/synonymous amino acid change and it is not expected to impact splicing.

Ambry Genetics
Classification: Likely benign for Inborn genetic diseases. Last evaluated: 2025-03-29. Review status: criteria provided, single submitter. Criteria: Ambry Variant Classification Scheme 2023. Collection method: clinical testing. Allele origin: germline.